The following is an entry in ClinVar:

ClinVar aggregate classification (germline): Uncertain significance (1 of 4 stars; one submission).

Conditions:
Immunodeficiency due to CD25 deficiency. Also called: IL2RA DEFICIENCY; CD25 DEFICIENCY; IMMUNODEFICIENCY 41 WITH LYMPHOPROLIFERATION AND AUTOIMMUNITY. Identifiers: Orphanet 169100, MedGen C1853392, MONDO:0011664, OMIM 606367.

Allele frequency attached by ClinVar (database versions not stated): ExAC 0.00001; gnomAD 0.00002; TOPMed 0.00002.
gnomAD v4.1: 36 of 1,613,714 alleles (0.0022%); highest among the groups gnomAD compares: Non-Finnish European, 0.003%; no homozygotes.

Submission:

Labcorp Genetics (formerly Invitae), Labcorp
Classification: Uncertain significance for Immunodeficiency due to CD25 deficiency. Last evaluated: 2022-02-17. Review status: criteria provided, single submitter. Criteria: Invitae Variant Classification Sherloc (09022015). Collection method: clinical testing. Allele origin: germline.
Comment: This sequence change affects codon 243 of the IL2RA mRNA. It is a 'silent' change, meaning that it does not change the encoded amino acid sequence of the IL2RA protein. This variant is present in population databases (rs74162100, gnomAD 0.0009%). This variant has not been reported in the literature in individuals affected with IL2RA-related conditions. Algorithms developed to predict the effect of sequence changes on RNA splicing suggest that this variant may create or strengthen a splice site. In summary, the available evidence is currently insufficient to determine the role of this variant in disease. Therefore, it has been classified as a Variant of Uncertain Significance.

NM_000417.3(IL2RA):c.729G>A (p.Val243=)

Gene: IL2RA (interleukin 2 receptor subunit alpha; minus strand). Cytogenetic location: 10p15.1.
Variant type: single nucleotide variant.
Coding change: c.729G>A on transcript NM_000417.3 (MANE Select); coding-DNA position 729, G replaced by A.
Protein change: p.Val243=; no amino-acid change (valine 243 retained).
Molecular consequence: synonymous variant.
Genome position (GRCh38, 1-based): chr10:6,018,118, C>T on the plus strand (G>A on the coding strand, the complement: IL2RA is on the minus strand). VCF-style: chr10-6018118-C-T. GRCh37 (hg19) VCF-style: chr10-6060081-C-T.
Other names: c.513G>A, p.Val171= (NM_001308242.2); c.441G>A, p.Val147= (NM_001308243.2).
Identifiers: ClinVar variation 2185956 (VCV002185956.1), dbSNP rs74162100, ClinGen allele CA5397321.
Genomic context (GRCh38, chr10:6,018,118, plus strand): 5'-CCGCTGCCAGGTGAGCCCACTCAGGAGGAGGACGCTGATCAGCAGGAAAACACAGCCGGC[C>T]ACTGTCAATAGAGAGAGGGAGTTCAGCAAAGGGCCCTGGGCTTGGCATGGGGGCAGCAGG-3'
Protein context (NP_000408.1, residues 233-253): SIFTTEYQVA[Val243=]AGCVFLLISV